The following is an entry in ClinVar:

NM_020975.6(RET):c.1467C>G (p.Asp489Glu)

Gene: RET (ret proto-oncogene; plus strand). Cytogenetic location: 10q11.21.
Variant type: single nucleotide variant.
Coding change: c.1467C>G on transcript NM_020975.6 (MANE Select); coding-DNA position 1467, C replaced by G.
Protein change: p.Asp489Glu; replaces aspartic acid 489 with glutamic acid.
Molecular consequence: missense variant.
Genome position (GRCh38, 1-based): chr10:43,111,410, C>G. VCF-style: chr10-43111410-C-G. GRCh37 (hg19) VCF-style: chr10-43606858-C-G.
Other names: c.942C>G, p.Asp314Glu (NM_001406774.1); c.741C>G, p.Asp247Glu (NM_001406775.1, NM_001406776.1, NM_001406777.1 and 1 more transcripts); c.477C>G, p.Asp159Glu (NM_001406784.1); c.1467C>G, p.Asp489Glu (NM_020629.2, NM_020630.7, NM_000323.2 and 6 more transcripts); c.705C>G, p.Asp235Glu (NM_001355216.2); c.1338C>G, p.Asp446Glu (NM_001406761.1, NM_001406762.1, NM_001406764.1 and 1 more transcripts); c.1179C>G, p.Asp393Glu (NM_001406766.1, NM_001406767.1, NM_001406770.1); c.1071C>G, p.Asp357Glu (NM_001406769.1, NM_001406772.1); and 1 more; short protein forms D235E, D489E, D343E, D393E, D159E, D314E, D357E, D247E.
Identifiers: ClinVar variation 1001110 (VCV001001110.13), dbSNP rs372648203, ClinGen allele CA376549771.
Genomic context (GRCh38, chr10:43,111,410, plus strand): 5'-CACCAAGGCCCTGCGGCGGCCCAAGTGTGCCGAACTTCACTACATGGTGGTGGCCACCGA[C>G]CAGCAGACCTCTAGGCAGGCCCAGGCCCAGCTGCTTGTAACAGTGGAGGGGTCATGTGAG-3'
Protein context (NP_066124.1, residues 479-499): AELHYMVVAT[Asp489Glu]QQTSRQAQAQ

ClinVar aggregate classification (germline): Conflicting classifications of pathogenicity. Review status: criteria provided, conflicting classifications (1 of 4 stars). 2 submissions from 2 submitters: Uncertain significance (1); Likely benign (1). Last evaluated 2024-03-26.

Conditions:
Hereditary cancer-predisposing syndrome. Also called: Neoplastic Syndromes, Hereditary; Tumor predisposition; Hereditary Cancer Syndrome; Hereditary neoplastic syndrome. Identifiers: Orphanet 140162, MedGen C0027672, MeSH D009386, MONDO:0015356.
Multiple endocrine neoplasia, type 2 (MEN2). Identifiers: Orphanet 653, MedGen C4048306, MONDO:0019003. Disease mechanism: gain of function.

Submissions (2):

Ambry Genetics
Classification: Likely benign for Hereditary cancer-predisposing syndrome. Last evaluated: 2024-03-26. Review status: criteria provided, single submitter. Criteria: Ambry Variant Classification Scheme 2023. Collection method: clinical testing. Allele origin: germline.

Labcorp Genetics (formerly Invitae), Labcorp
Classification: Uncertain significance for Multiple endocrine neoplasia, type 2. Last evaluated: 2023-07-10. Review status: criteria provided, single submitter. Criteria: Invitae Variant Classification Sherloc (09022015). Collection method: clinical testing. Allele origin: germline.
Comment: This sequence change replaces aspartic acid, which is acidic and polar, with glutamic acid, which is acidic and polar, at codon 489 of the RET protein (p.Asp489Glu). In summary, the available evidence is currently insufficient to determine the role of this variant in disease. Therefore, it has been classified as a Variant of Uncertain Significance. Algorithms developed to predict the effect of missense changes on protein structure and function output the following: SIFT: "Not Available"; PolyPhen-2: "Benign"; Align-GVGD: "Not Available". The glutamic acid amino acid residue is found in multiple mammalian species, which suggests that this missense change does not adversely affect protein function. ClinVar contains an entry for this variant (Variation ID: 1001110). This variant has not been reported in the literature in individuals affected with RET-related conditions. This variant is not present in population databases (gnomAD no frequency).